The following is an entry in ClinVar:

NM_152416.4(NDUFAF6):c.992A>G (p.Lys331Arg)

Gene: NDUFAF6 (NADH:ubiquinone oxidoreductase complex assembly factor 6; plus strand). Cytogenetic location: 8q22.1.
Variant type: single nucleotide variant.
Coding change: c.992A>G on transcript NM_152416.4 (MANE Select); coding-DNA position 992, A replaced by G.
Protein change: p.Lys331Arg; replaces lysine 331 with arginine.
Molecular consequence: missense variant. On other transcripts: non-coding transcript variant (3), intron variant (1).
Genome position (GRCh38, 1-based): chr8:95,057,927, A>G. VCF-style: chr8-95057927-A-G. GRCh37 (hg19) VCF-style: chr8-96070155-A-G.
Other names: p.K331R:AAA>AGA; c.716A>G, p.Lys239Arg (NM_001330582.2, NM_001354514.2, NM_001354515.2); c.836A>G, p.Lys279Arg (NM_001354516.2); c.659A>G, p.Lys220Arg (NM_001354517.2, NM_001354518.2, NM_001354519.2 and 1 more transcripts); c.536A>G, p.Lys179Arg (NM_001354522.2, NM_001354524.2, NM_001354525.2 and 7 more transcripts); c.483+9369A>G (NM_001354534.2); short protein forms K331R, K179R, K239R, K279R, K220R.
Identifiers: ClinVar variation 214209 (VCV000214209.6), dbSNP rs544582476, ClinGen allele CA324216.

ClinVar aggregate classification (germline): Likely benign. Review status: criteria provided, multiple submitters, no conflicts (2 of 4 stars). 2 submissions from 2 submitters: Likely benign (2). Last evaluated 2024-04-22.

Allele frequency attached by ClinVar (database versions not stated): gnomAD 0.00001 and 0.00009; TOPMed 0.00002; gnomAD exomes 0.00019 and 0.00041; ExAC 0.00042; 1000 Genomes Project 0.00080; 1000 Genomes Project 30x 0.00094.
gnomAD v4.1: 283 of 1,532,948 alleles (0.018%); highest among the groups gnomAD compares: South Asian, 0.29%; 1 homozygote.

Submissions (2):

Labcorp Genetics (formerly Invitae), Labcorp
Classification: Likely benign. Last evaluated: 2024-04-22. Review status: criteria provided, single submitter. Criteria: Invitae Variant Classification Sherloc (09022015). Collection method: clinical testing. Allele origin: germline.

GeneDx
Classification: Likely benign. Last evaluated: 2015-06-19. Review status: criteria provided, single submitter. Criteria: GeneDx Variant Classification (06012015). Collection method: clinical testing. Allele origin: germline. Affected: yes.
Comment: This variant is considered likely benign or benign based on one or more of the following criteria: it is a conservative change, it occurs at a poorly conserved position in the protein, it is predicted to be benign by multiple in silico algorithms, and/or has population frequency not consistent with disease.